The following is an entry in ClinVar:

NM_001166108.2(PALLD):c.3006A>G (p.Ile1002Met)

Genes: CBR4 (carbonyl reductase 4; minus strand), PALLD (palladin, cytoskeletal associated protein; plus strand). Cytogenetic location: 4q32.3.
Variant type: single nucleotide variant.
Coding change: c.3006A>G on transcript NM_001166108.2 (MANE Select); coding-DNA position 3006, A replaced by G.
Protein change: p.Ile1002Met; replaces isoleucine 1002 with methionine.
Molecular consequence: missense variant.
Genome position (GRCh38, 1-based): chr4:168,921,689, A>G. VCF-style: chr4-168921689-A-G. GRCh37 (hg19) VCF-style: chr4-169842840-A-G.
Other names: c.1809A>G, p.Ile603Met (NM_001166109.2); c.1494A>G, p.Ile498Met (NM_001166110.2); c.834A>G, p.Ile278Met (NM_001367567.1, NM_001367569.1); c.885A>G, p.Ile295Met (NM_001367568.1, NM_001367570.1); c.2955A>G, p.Ile985Met (NM_016081.4); short protein forms I278M, I498M, I295M, I1002M, I603M, I985M.
Identifiers: ClinVar variation 2276626 (VCV002276626.3), dbSNP rs2534195429, ClinGen allele CA358709515.

ClinVar aggregate classification (germline): Uncertain significance (1 of 4 stars; one submission).

Allele frequency attached by ClinVar (database versions not stated): gnomAD exomes below 0.00001.
gnomAD v4.1: 3 of 1,611,654 alleles (0.00019%); highest among the groups gnomAD compares: South Asian, 0.0011%; no homozygotes.

Submission:

Ambry Genetics
Classification: Uncertain significance. Last evaluated: 2026-04-24. Review status: criteria provided, single submitter. Criteria: Ambry Variant Classification Scheme 2023. Collection method: clinical testing. Allele origin: germline.
Comment: The p.I498M variant (also known as c.1494A>G), located in coding exon 8 of the PALLD gene, results from an A to G substitution at nucleotide position 1494. The isoleucine at codon 498 is replaced by methionine, an amino acid with highly similar properties. This amino acid position is conserved. In addition, this alteration is predicted to be tolerated by in silico analysis. Based on the available evidence, the clinical significance of this variant remains unclear.